The following is an entry in ClinVar:

NM_015978.3(TNNI3K):c.1354T>G (p.Leu452Val)

Genes: FPGT-TNNI3K (FPGT-TNNI3K readthrough; plus strand), TNNI3K (TNNI3 interacting kinase; plus strand). Cytogenetic location: 1p31.1.
Variant type: single nucleotide variant.
Coding change: c.1354T>G on transcript NM_015978.3 (MANE Select); coding-DNA position 1354, T replaced by G.
Protein change: p.Leu452Val; replaces leucine 452 with valine.
Molecular consequence: missense variant.
Genome position (GRCh38, 1-based): chr1:74,369,054, T>G. VCF-style: chr1-74369054-T-G. GRCh37 (hg19) VCF-style: chr1-74834738-T-G.
Other names: c.1657T>G, p.Leu553Val (NM_001112808.3, NM_001199327.2); short protein forms L553V, L452V.
Identifiers: ClinVar variation 2072088 (VCV002072088.4), dbSNP rs1218931785, ClinGen allele CA340785770.

ClinVar aggregate classification (germline): Uncertain significance (1 of 4 stars; one submission).

Allele frequency attached by ClinVar (database versions not stated): TOPMed below 0.00001.
gnomAD v4.1: 1 of 1,609,606 alleles (0.000062%); highest among the groups gnomAD compares: Admixed American, 0.0017%; no homozygotes.

Submission:

Labcorp Genetics (formerly Invitae), Labcorp
Classification: Uncertain significance. Last evaluated: 2025-12-14. Review status: criteria provided, single submitter. Criteria: Invitae Variant Classification Sherloc (09022015). Collection method: clinical testing. Allele origin: germline.
Comment: This sequence change replaces leucine, which is neutral and non-polar, with valine, which is neutral and non-polar, at codon 452 of the TNNI3K protein (p.Leu452Val). This variant is present in population databases (no rsID available, gnomAD 0.003%). This variant has not been reported in the literature in individuals affected with TNNI3K-related conditions. ClinVar contains an entry for this variant (Variation ID: 2072088). Invitae Evidence Modeling of protein sequence and biophysical properties (such as structural, functional, and spatial information, amino acid conservation, physicochemical variation, residue mobility, and thermodynamic stability) indicates that this missense variant is not expected to disrupt TNNI3K protein function with a negative predictive value of 80%. In summary, the available evidence is currently insufficient to determine the role of this variant in disease. Therefore, it has been classified as a Variant of Uncertain Significance.